The following is an entry in ClinVar:

NM_013450.4(BAZ2B):c.2638A>T (p.Asn880Tyr)

Gene: BAZ2B (bromodomain adjacent to zinc finger domain 2B; minus strand). Cytogenetic location: 2q24.2.
Variant type: single nucleotide variant.
Coding change: c.2638A>T on transcript NM_013450.4 (MANE Select); coding-DNA position 2638, A replaced by T.
Protein change: p.Asn880Tyr; replaces asparagine 880 with tyrosine.
Molecular consequence: missense variant.
Genome position (GRCh38, 1-based): chr2:159,412,374, T>A on the plus strand (A>T on the coding strand, the complement: BAZ2B is on the minus strand). VCF-style: chr2-159412374-T-A. GRCh37 (hg19) VCF-style: chr2-160268885-T-A.
Other names: c.2530A>T, p.Asn844Tyr (NM_001289975.1); c.2449A>T, p.Asn817Tyr (NM_001329857.2); c.2536A>T, p.Asn846Tyr (NM_001329858.2); short protein forms N817Y, N844Y, N846Y, N880Y.
Identifiers: ClinVar variation 5040078 (VCV005040078.1).

ClinVar aggregate classification (germline): Uncertain significance (1 of 4 stars; one submission).

Submission:

CeGaT Center for Human Genetics Tuebingen
Classification: Uncertain significance. Last evaluated: 2026-07-01. Review status: criteria provided, single submitter. Criteria: CeGaT Center For Human Genetics Tuebingen Variant Classification Criteria Version 2. Collection method: clinical testing. Allele origin: germline. Affected: yes. Observed: 1 variant allele.
Comment: BAZ2B: PM2